The following is an entry in ClinVar:

ClinVar aggregate classification (germline): Pathogenic. Review status: criteria provided, multiple submitters, no conflicts (2 of 4 stars). 8 submissions from 8 submitters: Pathogenic (7). 1 of the submissions does not count toward it. Last evaluated 2025-06-28.

Conditions:
Methylmalonic aciduria due to methylmalonyl-CoA mutase deficiency (MAMM). Also called: Methylmalonic aciduria, mut type. Identifiers: Orphanet 27, MedGen C1855114, MONDO:0009612, OMIM 251000.

Allele frequency attached by ClinVar (database versions not stated): gnomAD exomes below 0.00001.
gnomAD v4.1: 1 of 1,613,940 alleles (0.000062%); highest among the groups gnomAD compares: Non-Finnish European, 0.000085%; no homozygotes.

Submissions (8):

Immunogenetics and Transplant Biology Service, University Hospital "Città della Salute e della Scienza di Torino"
Classification: Pathogenic for Methylmalonic aciduria due to methylmalonyl-CoA mutase deficiency. Last evaluated: 2025-06-28. Review status: criteria provided, single submitter. Criteria: ACMG Guidelines, 2015. Collection method: clinical testing. Allele origin: germline. Affected: yes.

Genomic Medicine Center of Excellence, King Faisal Specialist Hospital and Research Centre
Classification: Pathogenic for Methylmalonic aciduria due to methylmalonyl-CoA mutase deficiency. Last evaluated: 2024-02-11. Review status: criteria provided, single submitter. Criteria: ACMG Guidelines, 2015. Collection method: research. Allele origin: germline.

Revvity Omics, Revvity
Classification: Pathogenic for Methylmalonic aciduria due to methylmalonyl-CoA mutase deficiency. Last evaluated: 2023-09-28. Review status: criteria provided, single submitter. Criteria: ACMG Guidelines, 2015. Collection method: clinical testing. Allele origin: germline.

Labcorp Genetics (formerly Invitae), Labcorp
Classification: Pathogenic. Last evaluated: 2022-03-08. Review status: criteria provided, single submitter. Criteria: Invitae Variant Classification Sherloc (09022015). Collection method: clinical testing. Allele origin: germline.
Comment: For these reasons, this variant has been classified as Pathogenic. ClinVar contains an entry for this variant (Variation ID: 222943). This premature translational stop signal has been observed in individual(s) with methylmalonic aciduria (PMID: 26318470, 26615597, 27167370). This variant is present in population databases (no rsID available, gnomAD 0.0009%). This sequence change creates a premature translational stop signal (p.Gln734*) in the MUT gene. While this is not anticipated to result in nonsense mediated decay, it is expected to disrupt the last 17 amino acid(s) of the MUT protein.

GeneDx
Classification: Pathogenic. Last evaluated: 2016-09-08. Review status: criteria provided, single submitter. Criteria: GeneDx Variant Classification (06012015). Collection method: clinical testing. Allele origin: germline. Affected: yes.
Comment: The Q734X variant has been reported previously in patients with methylmalonic acidemia (Mohamed et al. 2015; Imtiaz et al. 2015; Forny et al. 2016). Q734X was not observed in approximately 6500 individuals of European and African American ancestry in the NHLBI Exome Sequencing Project, indicating it is not a common benign variant in these populations. The Q734X variant is predicted to cause loss of normal protein function through protein truncation. In summary, we interpret Q734X to be a pathogenic variant.

Pathology and Clinical Laboratory Medicine, King Fahad Medical City
Classification: Pathogenic for Methylmalonic aciduria due to methylmalonyl-CoA mutase deficiency. Review status: criteria provided, single submitter. Criteria: ACMG Guidelines, 2015. Collection method: clinical testing. Allele origin: germline. Affected: yes. Observed: 1 variant allele.

University Children's Hospital, University of Zurich
Classification: Pathogenic for Methylmalonic aciduria due to methylmalonyl-CoA mutase deficiency. Review status: criteria provided, single submitter. Criteria: Forny et al. (Hum Mutat. 2016). Collection method: clinical testing. Allele origin: germline. Inheritance: Autosomal recessive inheritance. Affected: yes.

Clinical Laboratory Sciences Program (CLSP), King Saud bin Abdulaziz University for Health Sciences (KSAU-HS)
Classification: Pathogenic for Methylmalonic aciduria due to methylmalonyl-CoA mutase deficiency. Last evaluated: 2023-04-01. Review status: no assertion criteria provided. Collection method: clinical testing. Allele origin: germline. Affected: yes. Not counted in ClinVar's aggregate classification.

Literature cited by the submitters: PubMed 26318470 (cited by Labcorp Genetics (formerly Invitae), Labcorp); PubMed 26615597 (cited by Labcorp Genetics (formerly Invitae), Labcorp); PubMed 27167370 (cited by Labcorp Genetics (formerly Invitae), Labcorp); PubMed 25736335 (cited by University Children's Hospital, University of Zurich).

NM_000255.4(MMUT):c.2200C>T (p.Gln734Ter)

Gene: MMUT (methylmalonyl-CoA mutase; minus strand). Cytogenetic location: 6p12.3.
Variant type: single nucleotide variant.
Coding change: c.2200C>T on transcript NM_000255.4 (MANE Select); coding-DNA position 2200, C replaced by T.
Protein change: p.Gln734Ter; replaces glutamine 734 with a stop codon.
Molecular consequence: nonsense.
Genome position (GRCh38, 1-based): chr6:49,431,781, G>A on the plus strand (C>T on the coding strand, the complement: MMUT is on the minus strand). VCF-style: chr6-49431781-G-A. GRCh37 (hg19) VCF-style: chr6-49399494-G-A.
Other names: short protein forms Q734*.
Identifiers: ClinVar variation 222943 (VCV000222943.31), dbSNP rs879253852, ClinGen allele CA10575855.
Genomic context (GRCh38, chr6:49,431,781, plus strand): 5'-GAGGATATTATACAGATTGCTGCTTCTTTTCCAAACACTTCTCAATATCATCAAGCACCT[G>A]AACGGCAGCCTTTGGAATTCGAGTCCCAGGACCAAATACATTGGAAACACCAACTTCAAA-3'